The following is an entry in ClinVar:

NM_018263.6(ASXL2):c.140+187_140+202del

Gene: ASXL2 (ASXL transcriptional regulator 2; minus strand). Cytogenetic location: 2p23.3.
Variant type: Deletion.
Coding change: c.140+187_140+202del on transcript NM_018263.6 (MANE Select); bases 187 to 202 of the intron after coding-DNA position 140, 16 bases deleted (GAAGGTTTTAAAACCA).
Molecular consequence: intron variant.
Genome position (GRCh38, 1-based): chr2:25,845,279-25,845,294, TGGTTTTAAAACCTTC deleted on the plus strand (GAAGGTTTTAAAACCA on the coding strand, the reverse complement: ASXL2 is on the minus strand); deleting any 16 consecutive bases within chr2:25,845,279-25,845,300 gives the same sequence; the c. name uses the placement nearest the transcript's 3' end. VCF-style (leftmost placement, unchanged base first): chr2-25845278-TTGGTTTTAAAACCTTC-T. GRCh37 (hg19) VCF-style: chr2-26068147-TTGGTTTTAAAACCTTC-T.
Identifiers: ClinVar variation 1349862 (VCV001349862.28), dbSNP rs761305195, ClinGen allele CA1558155.
Genomic context (GRCh38, chr2:25,845,278, plus strand): 5'-GGCTCCAGGTCTTCCTAAAAATTAAAGTGCATGGGCTTAAAGATAGCTACCCTCTAAGAA[TTGGTTTTAAAACCTTC>T]TGGTTTAAAACTTTCTGGTTTTAAAACTATGTAATGACTTAAAAAATGCCAAAGATCTGA-3'

ClinVar aggregate classification (germline): Likely benign. Review status: criteria provided, multiple submitters, no conflicts (2 of 4 stars). 2 submissions from 2 submitters: Likely benign (2). Last evaluated 2025-09-21.

Submissions (2):

Labcorp Genetics (formerly Invitae), Labcorp
Classification: Likely benign. Last evaluated: 2025-09-21. Review status: criteria provided, single submitter. Criteria: Invitae Variant Classification Sherloc (09022015). Collection method: clinical testing. Allele origin: germline.

CeGaT Center for Human Genetics Tuebingen
Classification: Likely benign. Last evaluated: 2023-12-01. Review status: criteria provided, single submitter. Criteria: CeGaT Center For Human Genetics Tuebingen Variant Classification Criteria Version 2. Collection method: clinical testing. Allele origin: germline. Affected: yes. Observed: 1 variant allele.
Comment: ASXL2: BP4